The following is an entry in ClinVar:

NM_138459.5(NUS1):c.613C>G (p.Gln205Glu)

Gene: NUS1 (NUS1 dehydrodolichyl diphosphate synthase subunit; plus strand). Cytogenetic location: 6q22.1.
Variant type: single nucleotide variant.
Coding change: c.613C>G on transcript NM_138459.5 (MANE Select); coding-DNA position 613, C replaced by G.
Protein change: p.Gln205Glu; replaces glutamine 205 with glutamic acid.
Molecular consequence: missense variant.
Genome position (GRCh38, 1-based): chr6:117,694,102, C>G. VCF-style: chr6-117694102-C-G. GRCh37 (hg19) VCF-style: chr6-118015265-C-G.
Other names: short protein forms Q205E.
Identifiers: ClinVar variation 1523941 (VCV001523941.6), dbSNP rs2114687441, ClinGen allele CA365537054.

ClinVar aggregate classification (germline): Uncertain significance (1 of 4 stars; one submission).

Conditions:
Congenital disorder of glycosylation, type Iaa. Also called: Congenital disorder of glycosylation, type 1aa. Identifiers: MedGen C4310727, MONDO:0014904, OMIM 617082.

Submission:

Labcorp Genetics (formerly Invitae), Labcorp
Classification: Uncertain significance for Congenital disorder of glycosylation, type Iaa. Last evaluated: 2022-02-08. Review status: criteria provided, single submitter. Criteria: Invitae Variant Classification Sherloc (09022015). Collection method: clinical testing. Allele origin: germline.
Comment: Algorithms developed to predict the effect of missense changes on protein structure and function (SIFT, PolyPhen-2, Align-GVGD) all suggest that this variant is likely to be tolerated. This variant has not been reported in the literature in individuals affected with NUS1-related conditions. This variant is not present in population databases (gnomAD no frequency). This sequence change replaces glutamine, which is neutral and polar, with glutamic acid, which is acidic and polar, at codon 205 of the NUS1 protein (p.Gln205Glu). In summary, the available evidence is currently insufficient to determine the role of this variant in disease. Therefore, it has been classified as a Variant of Uncertain Significance.